The following is an entry in ClinVar:

ClinVar aggregate classification (germline): Uncertain significance (0 of 4 stars; one submission).

Conditions:
PPARGC1A-related disorder. Also called: PPARGC1A-related condition.

Submission:

PreventionGenetics, part of Exact Sciences
Classification: Uncertain significance for PPARGC1A-related condition. Last evaluated: 2023-12-11. Review status: no assertion criteria provided. Collection method: clinical testing. Allele origin: germline.
Comment: The PPARGC1A c.14T>A variant is predicted to result in the amino acid substitution p.Met5Lys. To our knowledge, this variant has not been reported in the literature or in a large population database, indicating this variant is rare. At this time, the clinical significance of this variant is uncertain due to the absence of conclusive functional and genetic evidence.

NM_013261.5(PPARGC1A):c.14T>A (p.Met5Lys)

Gene: PPARGC1A (PPARG coactivator 1 alpha; minus strand). Cytogenetic location: 4p15.2.
Variant type: single nucleotide variant.
Coding change: c.14T>A on transcript NM_013261.5 (MANE Select); coding-DNA position 14, T replaced by A.
Protein change: p.Met5Lys; replaces methionine 5 with lysine.
Molecular consequence: missense variant. On other transcripts: non-coding transcript variant (1), intron variant (5).
Genome position (GRCh38, 1-based): chr4:23,889,944, A>T on the plus strand (T>A on the coding strand, the complement: PPARGC1A is on the minus strand). VCF-style: chr4-23889944-A-T. GRCh37 (hg19) VCF-style: chr4-23891567-A-T.
Other names: c.14T>A, p.Met5Lys (NM_001354828.2); c.70-5013T>A (NM_001354827.2, NM_001354825.2, NM_001330751.2); c.19-5013T>A (NM_001330752.2); c.-431-5013T>A (NM_001354826.2); short protein forms M5K.
Identifiers: ClinVar variation 3029462 (VCV003029462.2), dbSNP rs773095749, ClinGen allele CA356608003.